The following is an entry in ClinVar:

NM_006904.7(PRKDC):c.199G>A (p.Val67Ile)

Gene: PRKDC (protein kinase, DNA-activated, catalytic subunit; minus strand). Cytogenetic location: 8q11.21.
Variant type: single nucleotide variant.
Coding change: c.199G>A on transcript NM_006904.7 (MANE Select); coding-DNA position 199, G replaced by A.
Protein change: p.Val67Ile; replaces valine 67 with isoleucine.
Molecular consequence: missense variant.
Genome position (GRCh38, 1-based): chr8:47,957,387, C>T on the plus strand (G>A on the coding strand, the complement: PRKDC is on the minus strand). VCF-style: chr8-47957387-C-T. GRCh37 (hg19) VCF-style: chr8-48869947-C-T.
Other names: c.199G>A, p.Val67Ile (NM_001081640.2); short protein forms V67I.
Identifiers: ClinVar variation 1784139 (VCV001784139.2), dbSNP rs2090721922, ClinGen allele CA371141573.

ClinVar aggregate classification (germline): Uncertain significance (1 of 4 stars; one submission).

gnomAD v4.1: 1 of 1,597,344 alleles (0.000063%); highest among the groups gnomAD compares: Non-Finnish European, 0.000085%; no homozygotes.

Submission:

Ambry Genetics
Classification: Uncertain significance. Last evaluated: 2022-01-31. Review status: criteria provided, single submitter. Criteria: Ambry Variant Classification Scheme 2023. Collection method: clinical testing. Allele origin: germline.
Comment: The p.V67I variant (also known as c.199G>A), located in coding exon 2 of the PRKDC gene, results from a G to A substitution at nucleotide position 199. The valine at codon 67 is replaced by isoleucine, an amino acid with highly similar properties. This amino acid position is conserved. In addition, this alteration is predicted to be tolerated by in silico analysis. Since supporting evidence is limited at this time, the clinical significance of this alteration remains unclear.